The following is an entry in ClinVar:

ClinVar aggregate classification (germline): Pathogenic/Likely pathogenic. Review status: criteria provided, multiple submitters, no conflicts (2 of 4 stars). 2 submissions from 2 submitters: Pathogenic (1); Likely pathogenic (1). Last evaluated 2025-02-28.

Conditions:
SHANK1-related Neurodevelopmental Disorder.

Submissions (2):

HudsonAlpha Institute for Biotechnology
Classification: Pathogenic. Last evaluated: 2025-02-28. Review status: criteria provided, single submitter. Criteria: ACMG Guidelines, 2015. Collection method: research. Allele origin: de novo. Affected: yes. Observed: 1 variant allele. Study: HudsonAlpha-AGHI-WGS.

Illumina Laboratory Services, Illumina
Classification: Likely pathogenic for SHANK1-related neurodevelopmental disorder. Last evaluated: 2023-12-09. Review status: criteria provided, single submitter. Criteria: ICSLVariantClassificationCriteria RUGD 01 April 2020. Collection method: clinical testing. Allele origin: unknown.
Comment: The SHANK1 c.2149C>T p.(Arg717Ter) nonsense variant is expected to result in the loss of normal protein function through either protein truncation or nonsense-mediated mRNA decay. To our knowledge, it has not been described in the peer-reviewed literature, although it has been reported in ClinVar as occurring de novo in an individual with features of SHANK1-related neurodevelopmental disorder. This variant is not observed in version 2.1.1 or version 4.0.0 of the Genome Aggregation Database. Based on the available evidence, the c.2149C>T p.(Arg717Ter) variant is classified as likely pathogenic for SHANK1-related neurodevelopmental disorder.

NM_016148.5(SHANK1):c.2149C>T (p.Arg717Ter)

Gene: SHANK1 (SH3 and multiple ankyrin repeat domains 1; minus strand). Cytogenetic location: 19q13.33.
Variant type: single nucleotide variant.
Coding change: c.2149C>T on transcript NM_016148.5 (MANE Select); coding-DNA position 2149, C replaced by T.
Protein change: p.Arg717Ter; replaces arginine 717 with a stop codon.
Molecular consequence: nonsense.
Genome position (GRCh38, 1-based): chr19:50,688,867, G>A on the plus strand (C>T on the coding strand, the complement: SHANK1 is on the minus strand). VCF-style: chr19-50688867-G-A. GRCh37 (hg19) VCF-style: chr19-51192124-G-A.
Other names: short protein forms R717*.
Identifiers: ClinVar variation 1684507 (VCV001684507.4), dbSNP rs2123136215, ClinGen allele CA407026157.